The following is an entry in ClinVar:

NC_012920.1(MT-ATP6):m.8975T>C

Gene: MT-ATP6 (mitochondrially encoded ATP synthase 6; plus strand).
Variant type: single nucleotide variant.
Genome position: chrM-8975-T-C.
Identifiers: ClinVar variation 693041 (VCV000693041.3), dbSNP rs1981459, ClinGen allele CA337098132.

ClinVar aggregate classification (germline): Likely benign (1 of 4 stars; one submission).

Conditions:
Leigh syndrome (NULS). Also called: Leigh's syndrome; Leigh Syndrome (mtDNA deletion); Leigh Disease; Subacute necrotizing encephalopathy; Necrotizing encephalopathy infantile subacute of Leigh; Leigh's necrotizing encephalopathy. Identifiers: Orphanet 506, MedGen C2931891, MONDO:0009723, OMIM 256000.
Mitochondrial DNA-Associated Leigh Syndrome and NARP. Identifiers: MedGen CN043634.

Submission:

Wong Mito Lab, Molecular and Human Genetics, Baylor College of Medicine
Classification: Likely benign for Leigh syndrome. Last evaluated: 2019-10-17. Review status: criteria provided, single submitter. Criteria: Modified ACMG Guidelines (Unpublished). Collection method: clinical testing. Allele origin: germline.
Comment: The NC_012920.1:m.8975T>C (YP_003024031.1:p.Leu150Pro) variant in MTATP6 gene is interpretated to be a Likely Benign variant based on the modified ACMG guidelines (unpublished). This variant meets the following evidence codes: BS1, BP6